The following is an entry in ClinVar:

NM_000051.4(ATM):c.6369_6372del (p.Tyr2124fs)

Genes: ATM (ATM serine/threonine kinase; plus strand), C11orf65 (chromosome 11 open reading frame 65; minus strand). Cytogenetic location: 11q22.3.
Variant type: Deletion.
Coding change: c.6369_6372del on transcript NM_000051.4 (MANE Select); coding-DNA positions 6369 to 6372, 4 bases deleted (TTAC; older notation c.6369_6372delTTAC).
Protein change: p.Tyr2124fs; shifts the reading frame from tyrosine 2124.
Molecular consequence: frameshift variant. On other transcripts: intron variant (2).
Genome position (GRCh38, 1-based): chr11:108,319,975-108,319,978, TTAC deleted. VCF-style (leftmost placement, unchanged base first): chr11-108319974-GTTAC-G. GRCh37 (hg19) VCF-style: chr11-108190701-GTTAC-G.
Other names: c.6369_6372del, p.Tyr2124fs (NM_001351834.2); c.641-10907_641-10904del (NM_001330368.2); c.*39-10907_*39-10904del (NM_001351110.2); short protein forms Y2124fs.
Identifiers: ClinVar variation 1753083 (VCV001753083.2), dbSNP rs2547145153, ClinGen allele CA2580083422.

ClinVar aggregate classification (germline): Pathogenic (1 of 4 stars; one submission).

Conditions:
Hereditary cancer-predisposing syndrome. Also called: Hereditary neoplastic syndrome; Neoplastic Syndromes, Hereditary; Tumor predisposition; Hereditary Cancer Syndrome. Identifiers: Orphanet 140162, MedGen C0027672, MeSH D009386, MONDO:0015356.

Submission:

Ambry Genetics
Classification: Pathogenic for Hereditary cancer-predisposing syndrome. Last evaluated: 2020-10-20. Review status: criteria provided, single submitter. Criteria: Ambry Variant Classification Scheme 2023. Collection method: clinical testing. Allele origin: germline.
Comment: The c.6369_6372delTTAC pathogenic mutation, located in coding exon 43 of the ATM gene, results from a deletion of 4 nucleotides at nucleotide positions 6369 to 6372, causing a translational frameshift with a predicted alternate stop codon (p.Y2124Mfs*11). This alteration is expected to result in loss of function by premature protein truncation or nonsense-mediated mRNA decay. As such, this alteration is interpreted as a disease-causing mutation.